The following is an entry in ClinVar:

NM_024306.5(FA2H):c.893dup (p.Thr299fs)

Gene: FA2H (fatty acid 2-hydroxylase; minus strand). Cytogenetic location: 16q23.1.
Variant type: Duplication.
Coding change: c.893dup on transcript NM_024306.5 (MANE Select); coding-DNA position 893, one base duplicated (G; older notation c.893dupG).
Protein change: p.Thr299fs; shifts the reading frame from threonine 299.
Molecular consequence: frameshift variant.
Genome position (GRCh38, 1-based): chr16:74,716,493, C duplicated on the plus strand (G on the coding strand, the reverse complement: FA2H is on the minus strand); the first of 5 consecutive C bases (chr16:74,716,493-74,716,497); duplicating any one gives the same sequence. VCF-style (leftmost placement, unchanged base first): chr16-74716492-G-GC. GRCh37 (hg19) VCF-style: chr16-74750390-G-GC.
Other names: p.Thr299Hisfs*14; short protein forms T299fs.
Identifiers: ClinVar variation 3381147 (VCV003381147.1).

ClinVar aggregate classification (germline): Pathogenic (1 of 4 stars; one submission).

Submission:

Mayo Clinic Laboratories, Mayo Clinic
Classification: Pathogenic. Last evaluated: 2023-11-02. Review status: criteria provided, single submitter. Criteria: ACMG Guidelines, 2015. Collection method: clinical testing. Allele origin: germline. Observed: 1 variant allele.
Comment: PM2_moderate, PM5, PVS1